The following is an entry in ClinVar:

ClinVar aggregate classification (germline): Likely pathogenic (1 of 4 stars; one submission).

Submission:

Labcorp Genetics (formerly Invitae), Labcorp
Classification: Likely pathogenic. Last evaluated: 2025-11-01. Review status: criteria provided, single submitter. Criteria: Invitae Variant Classification Sherloc (09022015). Collection method: clinical testing. Allele origin: germline.
Comment: This sequence change affects an acceptor splice site in intron 15 of the MPDZ gene. It is expected to disrupt RNA splicing. Variants that disrupt the donor or acceptor splice site typically lead to a loss of protein function (PMID: 16199547), and loss-of-function variants in MPDZ are known to be pathogenic (PMID: 23240096, 28556411). This variant is not present in population databases (gnomAD no frequency). This variant has not been reported in the literature in individuals affected with MPDZ-related conditions. Algorithms developed to predict the effect of sequence changes on RNA splicing suggest that this variant may disrupt the consensus splice site. In summary, the currently available evidence indicates that the variant is pathogenic, but additional data are needed to prove that conclusively. Therefore, this variant has been classified as Likely Pathogenic.

Literature cited by the submitters: PubMed 16199547; PubMed 23240096; PubMed 28556411.

NM_001378778.1(MPDZ):c.1969-2A>C

Gene: MPDZ (multiple PDZ domain crumbs cell polarity complex component; minus strand). Cytogenetic location: 9p23.
Variant type: single nucleotide variant.
Coding change: c.1969-2A>C on transcript NM_001378778.1 (MANE Select); the canonical splice acceptor site of the intron before coding-DNA position 1969, A replaced by C.
Molecular consequence: splice acceptor variant.
Genome position (GRCh38, 1-based): chr9:13,190,301, T>G on the plus strand (A>C on the coding strand, the complement: MPDZ is on the minus strand). VCF-style: chr9-13190301-T-G. GRCh37 (hg19) VCF-style: chr9-13190300-T-G.
Other names: c.1969-2A>C (NM_001375425.1, NM_001375420.1, NM_001375419.1 and 14 more transcripts).
Identifiers: ClinVar variation 4727500 (VCV004727500.1).
Genomic context (GRCh38, chr9:13,190,301, plus strand): 5'-GCCAGCACTGGATCCTCTGTCTCTGATGACCCGATGAACTCACCTAGATCTACGTGAGGC[T>G]GGATAATATCAGACAGCTCTTATTTCAGAGGCATTGCATTAGCTGACACACATACCAACA-3'